The following is an entry in ClinVar:

NM_004525.3(LRP2):c.4759A>G (p.Ser1587Gly)

Gene: LRP2 (LDL receptor related protein 2; minus strand). Cytogenetic location: 2q31.1.
Variant type: single nucleotide variant.
Coding change: c.4759A>G on transcript NM_004525.3 (MANE Select); coding-DNA position 4759, A replaced by G.
Protein change: p.Ser1587Gly; replaces serine 1587 with glycine.
Molecular consequence: missense variant.
Genome position (GRCh38, 1-based): chr2:169,236,001, T>C on the plus strand (A>G on the coding strand, the complement: LRP2 is on the minus strand). VCF-style: chr2-169236001-T-C. GRCh37 (hg19) VCF-style: chr2-170092511-T-C.
Other names: short protein forms S1587G.
Identifiers: ClinVar variation 2041295 (VCV002041295.4), dbSNP rs2528353147, ClinGen allele CA349142598.

ClinVar aggregate classification (germline): Uncertain significance (1 of 4 stars; one submission).

Submission:

Labcorp Genetics (formerly Invitae), Labcorp
Classification: Uncertain significance. Last evaluated: 2022-10-13. Review status: criteria provided, single submitter. Criteria: Invitae Variant Classification Sherloc (09022015). Collection method: clinical testing. Allele origin: germline.
Comment: In summary, the available evidence is currently insufficient to determine the role of this variant in disease. Therefore, it has been classified as a Variant of Uncertain Significance. This sequence change replaces serine, which is neutral and polar, with glycine, which is neutral and non-polar, at codon 1587 of the LRP2 protein (p.Ser1587Gly). This variant is not present in population databases (gnomAD no frequency). This variant has not been reported in the literature in individuals affected with LRP2-related conditions. Advanced modeling of protein sequence and biophysical properties (such as structural, functional, and spatial information, amino acid conservation, physicochemical variation, residue mobility, and thermodynamic stability) performed at Invitae indicates that this missense variant is not expected to disrupt LRP2 protein function.